The following is an entry in ClinVar:

NM_172362.3(KCNH1):c.1096C>T (p.Arg366Cys)

Gene: KCNH1 (potassium voltage-gated channel subfamily H member 1; minus strand). Cytogenetic location: 1q32.2.
Variant type: single nucleotide variant.
Coding change: c.1096C>T on transcript NM_172362.3 (MANE Select); coding-DNA position 1096, C replaced by T.
Protein change: p.Arg366Cys; replaces arginine 366 with cysteine.
Molecular consequence: missense variant.
Genome position (GRCh38, 1-based): chr1:210,920,006, G>A on the plus strand (C>T on the coding strand, the complement: KCNH1 is on the minus strand). VCF-style: chr1-210920006-G-A. GRCh37 (hg19) VCF-style: chr1-211093348-G-A.
Other names: c.1096C>T (NM_172362.2); c.1015C>T, p.Arg339Cys (NM_002238.4); short protein forms R339C, R366C.
Identifiers: ClinVar variation 2775934 (VCV002775934.4), dbSNP rs756538294, ClinGen allele CA1379917.

ClinVar aggregate classification (germline): Uncertain significance. Review status: criteria provided, multiple submitters, no conflicts (2 of 4 stars). 2 submissions from 2 submitters: Uncertain significance (2). Last evaluated 2025-02-07.

Conditions:
Inborn genetic diseases. Identifiers: MedGen C0950123, MeSH D030342.

Allele frequency attached by ClinVar (database versions not stated): gnomAD exomes below 0.00001; ExAC 0.00001; gnomAD 0.00001.
gnomAD v4.1: 3 of 1,614,022 alleles (0.00019%); highest among the groups gnomAD compares: African/African-American, 0.0027%; no homozygotes.

Submissions (2):

Ambry Genetics
Classification: Uncertain significance for Inborn genetic diseases. Last evaluated: 2025-02-07. Review status: criteria provided, single submitter. Criteria: Ambry Variant Classification Scheme 2023. Collection method: clinical testing. Allele origin: germline.

Labcorp Genetics (formerly Invitae), Labcorp
Classification: Uncertain significance. Last evaluated: 2023-01-18. Review status: criteria provided, single submitter. Criteria: Invitae Variant Classification Sherloc (09022015). Collection method: clinical testing. Allele origin: germline.
Comment: In summary, the available evidence is currently insufficient to determine the role of this variant in disease. Therefore, it has been classified as a Variant of Uncertain Significance. Advanced modeling of protein sequence and biophysical properties (such as structural, functional, and spatial information, amino acid conservation, physicochemical variation, residue mobility, and thermodynamic stability) performed at Invitae indicates that this missense variant is expected to disrupt KCNH1 protein function. This variant has not been reported in the literature in individuals affected with KCNH1-related conditions. This variant is present in population databases (rs756538294, gnomAD 0.008%). This sequence change replaces arginine, which is basic and polar, with cysteine, which is neutral and slightly polar, at codon 366 of the KCNH1 protein (p.Arg366Cys).